The following is an entry in ClinVar:

NM_001046.3(SLC12A2):c.1966A>T (p.Ile656Phe)

Gene: SLC12A2 (solute carrier family 12 member 2; plus strand). Cytogenetic location: 5q23.3.
Variant type: single nucleotide variant.
Coding change: c.1966A>T on transcript NM_001046.3 (MANE Select); coding-DNA position 1966, A replaced by T.
Protein change: p.Ile656Phe; replaces isoleucine 656 with phenylalanine.
Molecular consequence: missense variant. On other transcripts: non-coding transcript variant (1).
Genome position (GRCh38, 1-based): chr5:128,148,838, A>T. VCF-style: chr5-128148838-A-T. GRCh37 (hg19) VCF-style: chr5-127484530-A-T.
Other names: c.1966A>T, p.Ile656Phe (NM_001256461.2); short protein forms I656F.
Identifiers: ClinVar variation 4685386 (VCV004685386.1).

ClinVar aggregate classification (germline): Uncertain significance (1 of 4 stars; one submission).

gnomAD v4.1: 9 of 1,605,152 alleles (0.00056%); highest among the groups gnomAD compares: South Asian, 0.01%; no homozygotes.

Submission:

GeneDx
Classification: Uncertain significance. Last evaluated: 2025-07-10. Review status: criteria provided, single submitter. Criteria: GeneDx Variant Classification Process June 2021. Collection method: clinical testing. Allele origin: germline. Affected: yes.
Comment: In silico analysis suggests that this missense variant does not alter protein structure/function; Has not been previously published as pathogenic or benign to our knowledge